The following is an entry in ClinVar:

NM_001134407.3(GRIN2A):c.989C>T (p.Pro330Leu)

Gene: GRIN2A (glutamate ionotropic receptor NMDA type subunit 2A; minus strand). Cytogenetic location: 16p13.2.
Variant type: single nucleotide variant.
Coding change: c.989C>T on transcript NM_001134407.3 (MANE Select); coding-DNA position 989, C replaced by T.
Protein change: p.Pro330Leu; replaces proline 330 with leucine.
Molecular consequence: missense variant.
Genome position (GRCh38, 1-based): chr16:9,937,977, G>A on the plus strand (C>T on the coding strand, the complement: GRIN2A is on the minus strand). VCF-style: chr16-9937977-G-A. GRCh37 (hg19) VCF-style: chr16-10031834-G-A.
Other names: c.989C>T, p.Pro330Leu (NM_000833.5, NM_001134408.2); short protein forms P330L.
Identifiers: ClinVar variation 98449 (VCV000098449.16), dbSNP rs367543120, ClinGen allele CA225851.

ClinVar aggregate classification (germline): Conflicting classifications of pathogenicity. Review status: criteria provided, conflicting classifications (1 of 4 stars). 4 submissions from 4 submitters: Uncertain significance (2); Likely benign (1). 1 of the submissions does not count toward it. Last evaluated 2026-01-17.

Conditions:
Landau-Kleffner syndrome (FESD). Also called: APHASIA, ACQUIRED, WITH EPILEPSY; EPILEPSY, FOCAL, WITH SPEECH DISORDER AND WITH OR WITHOUT MENTAL RETARDATION. Identifiers: Orphanet 1945, Orphanet 725, Orphanet 98818, MedGen C0282512, MONDO:0009509, OMIM 245570.

Allele frequency attached by ClinVar (database versions not stated): TOPMed 0.00002; gnomAD 0.00003 and 0.00004.
gnomAD v4.1: 23 of 1,613,366 alleles (0.0014%); highest among the groups gnomAD compares: Admixed American, 0.0083%; no homozygotes.

Submissions (4):

Labcorp Genetics (formerly Invitae), Labcorp
Classification: Likely benign for Landau-Kleffner syndrome. Last evaluated: 2026-01-17. Review status: criteria provided, single submitter. Criteria: Invitae Variant Classification Sherloc (09022015). Collection method: clinical testing. Allele origin: germline.

Women's Health and Genetics/Laboratory Corporation of America, LabCorp
Classification: Uncertain significance. Last evaluated: 2023-10-04. Review status: criteria provided, single submitter. Criteria: LabCorp Variant Classification Summary - May 2015. Collection method: clinical testing. Allele origin: germline.
Comment: Variant summary: GRIN2A c.989C>T (p.Pro330Leu) results in a non-conservative amino acid change in the encoded protein sequence. Three of five in-silico tools predict a benign effect of the variant on protein function. The variant allele was found at a frequency of 3.2e-05 in 250216 control chromosomes. The available data on variant occurrences in the general population are insufficient to allow any conclusion about variant significance. c.989C>T has been reported in the literature in at-least one individual affected with Epilepsy (example,vonStulpnagel_2017). These report(s) do not provide unequivocal conclusions about association of the variant with Epilepsy, Focal, With Speech Disorder And With Or Without Mental Retardation. To our knowledge, no experimental evidence demonstrating an impact on protein function has been reported. The following publication have been ascertained in the context of this evaluation (PMID: 28109652). Two submitters have cited clinical-significance assessments for this variant to ClinVar after 2014. One submitter classified the variant as likely benign, and one submitter classified the variant as uncertain significance. Based on the evidence outlined above, the variant was classified as uncertain significance.

Eurofins Ntd Llc (ga)
Classification: Uncertain significance. Last evaluated: 2018-03-08. Review status: criteria provided, single submitter. Criteria: EGL ClinVar v180209 classification definitions. Collection method: clinical testing. Allele origin: germline. Observed: 1 variant allele, 1 heterozygote.

Psychiatry Genetics Yale University
No classification provided. Review status: no classification provided. Collection method: not provided. Allele origin: not provided. Not counted in ClinVar's aggregate classification.

Literature cited by the submitters: PubMed 28109652 (cited by Women's Health and Genetics/Laboratory Corporation of America, LabCorp).